The following is an entry in ClinVar:

ClinVar aggregate classification (germline): Uncertain significance (1 of 4 stars; one submission).

Conditions:
Frontotemporal dementia (FTD1). Also called: FRONTOTEMPORAL DEMENTIA WITH PARKINSONISM; FRONTOTEMPORAL LOBE DEMENTIA; Dementia, frontotemporal, with or without parkinsonism; WILHELMSEN-LYNCH DISEASE; MULTIPLE SYSTEM TAUOPATHY WITH PRESENILE DEMENTIA; Frontotemporal Dementia with Parkinsonism-17 (FTDP-17). Identifiers: Orphanet 282, MedGen C0338451, MONDO:0017276, OMIM 600274, HP:0002145.

Allele frequency attached by ClinVar (database versions not stated): gnomAD exomes below 0.00001; TOPMed below 0.00001; gnomAD 0.00001.
gnomAD v4.1: 4 of 1,614,000 alleles (0.00025%); highest among the groups gnomAD compares: East Asian, 0.0022%; no homozygotes.

Submission:

Labcorp Genetics (formerly Invitae), Labcorp
Classification: Uncertain significance for Frontotemporal dementia. Last evaluated: 2025-06-30. Review status: criteria provided, single submitter. Criteria: Invitae Variant Classification Sherloc (09022015). Collection method: clinical testing. Allele origin: germline.
Comment: This sequence change replaces arginine, which is basic and polar, with histidine, which is basic and polar, at codon 379 of the MAPT protein (p.Arg379His). This variant is not present in population databases (gnomAD no frequency). This variant has not been reported in the literature in individuals affected with MAPT-related conditions. ClinVar contains an entry for this variant (Variation ID: 2962680). Invitae Evidence Modeling of protein sequence and biophysical properties (such as structural, functional, and spatial information, amino acid conservation, physicochemical variation, residue mobility, and thermodynamic stability) indicates that this missense variant is expected to disrupt MAPT protein function with a positive predictive value of 80%. In summary, the available evidence is currently insufficient to determine the role of this variant in disease. Therefore, it has been classified as a Variant of Uncertain Significance.

NM_001377265.1(MAPT):c.2312G>A (p.Arg771His)

Gene: MAPT (microtubule associated protein tau). Cytogenetic location: 17q21.31.
Variant type: single nucleotide variant.
Coding change: c.2312G>A on transcript NM_001377265.1 (MANE Select); coding-DNA position 2312, G replaced by A.
Protein change: p.Arg771His; replaces arginine 771 with histidine.
Molecular consequence: missense variant. On other transcripts: non-coding transcript variant (1), intron variant (1).
Genome position (GRCh38, 1-based): chr17:46,023,981, G>A. VCF-style: chr17-46023981-G-A. GRCh37 (hg19) VCF-style: chr17-44101347-G-A.
Other names: c.2141G>A, p.Arg714His (NM_001123066.4); c.1049G>A, p.Arg350His (NM_001123067.4); c.956G>A, p.Arg319His (NM_001203251.2); c.1043G>A, p.Arg348His (NM_001203252.2); c.2021G>A, p.Arg674His (NM_001377266.1); c.869G>A, p.Arg290His (NM_001377268.1, NM_016841.5); c.1136G>A, p.Arg379His (NM_005910.6); c.962G>A, p.Arg321His (NM_016834.5); and 2 more; short protein forms R319H, R771H, R321H, R350H, R674H, R714H, R290H, R348H.
Identifiers: ClinVar variation 2962680 (VCV002962680.3), dbSNP rs1568347450, ClinGen allele CA399984313.